The following is an entry in ClinVar:

ClinVar aggregate classification (germline): Likely benign. Review status: criteria provided, multiple submitters, no conflicts (2 of 4 stars). 2 submissions from 2 submitters: Likely benign (2). Last evaluated 2026-05-01.

Allele frequency attached by ClinVar (database versions not stated): ExAC 0.00004; gnomAD exomes 0.00006 and 0.00012; gnomAD 0.00013 and 0.00014; TOPMed 0.00014.
gnomAD v4.1: 56 of 1,614,080 alleles (0.0035%); highest among the groups gnomAD compares: Admixed American, 0.092%; 1 homozygote.

Submissions (2):

CeGaT Center for Human Genetics Tuebingen
Classification: Likely benign. Last evaluated: 2026-05-01. Review status: criteria provided, single submitter. Criteria: CeGaT Center For Human Genetics Tuebingen Variant Classification Criteria Version 2. Collection method: clinical testing. Allele origin: germline. Affected: yes. Observed: 1 variant allele.
Comment: HIVEP2: BP4, BP7

Labcorp Genetics (formerly Invitae), Labcorp
Classification: Likely benign. Last evaluated: 2025-10-06. Review status: criteria provided, single submitter. Criteria: Invitae Variant Classification Sherloc (09022015). Collection method: clinical testing. Allele origin: germline.

NM_006734.4(HIVEP2):c.3108T>G (p.Pro1036=)

Gene: HIVEP2 (HIVEP zinc finger 2; minus strand). Cytogenetic location: 6q24.2.
Variant type: single nucleotide variant.
Coding change: c.3108T>G on transcript NM_006734.4 (MANE Select); coding-DNA position 3108, T replaced by G.
Protein change: p.Pro1036=; no amino-acid change (proline 1036 retained).
Molecular consequence: synonymous variant.
Genome position (GRCh38, 1-based): chr6:142,771,631, A>C on the plus strand (T>G on the coding strand, the complement: HIVEP2 is on the minus strand). VCF-style: chr6-142771631-A-C. GRCh37 (hg19) VCF-style: chr6-143092768-A-C.
Identifiers: ClinVar variation 718443 (VCV000718443.9), dbSNP rs756135059, ClinGen allele CA4028318.